The following is an entry in ClinVar:

ClinVar aggregate classification (germline): Uncertain significance (1 of 4 stars; one submission).

Allele frequency attached by ClinVar (database versions not stated): gnomAD 0.00001; TOPMed 0.00001.
gnomAD v4.1: 1 of 1,613,530 alleles (0.000062%); highest among the groups gnomAD compares: African/African-American, 0.0013%; no homozygotes.

Submission:

GeneDx
Classification: Uncertain significance. Last evaluated: 2021-06-04. Review status: criteria provided, single submitter. Criteria: GeneDx Variant Classification Process June 2021. Collection method: clinical testing. Allele origin: germline. Affected: yes.
Comment: This variant is associated with the following publications: (PMID: 27535533)

NM_001378454.1(ALMS1):c.11362G>A (p.Ala3788Thr)

Gene: ALMS1 (ALMS1 centrosome and basal body associated protein; plus strand). Cytogenetic location: 2p13.1.
Variant type: single nucleotide variant.
Coding change: c.11362G>A on transcript NM_001378454.1 (MANE Select); coding-DNA position 11362, G replaced by A.
Protein change: p.Ala3788Thr; replaces alanine 3788 with threonine.
Molecular consequence: missense variant.
Genome position (GRCh38, 1-based): chr2:73,573,239, G>A. VCF-style: chr2-73573239-G-A. GRCh37 (hg19) VCF-style: chr2-73800366-G-A.
Other names: c.11365G>A, p.Ala3789Thr (NM_015120.4); short protein forms A3788T, A3789T.
Identifiers: ClinVar variation 1327329 (VCV001327329.2), dbSNP rs1674982899, ClinGen allele CA347289288.